The following is an entry in ClinVar:

ClinVar aggregate classification (germline): Uncertain significance (1 of 4 stars; one submission).

Submission:

Women's Health and Genetics/Laboratory Corporation of America, LabCorp
Classification: Uncertain significance. Last evaluated: 2025-09-02. Review status: criteria provided, single submitter. Criteria: LabCorp Variant Classification Summary - May 2015. Collection method: clinical testing. Allele origin: germline.
Comment: Variant summary: SLC16A8 c.907C>G (p.Arg303Gly) results in a non-conservative amino acid change in the encoded protein sequence. Algorithms developed to predict the effect of missense changes on protein structure and function all suggest that this variant is likely to be disruptive. The variant was absent in 138342 control chromosomes. The available data on variant occurrences in the general population are insufficient to allow any conclusion about variant significance. To our knowledge, no occurrence of c.907C>G in individuals affected with SLC16A8-related conditions and no experimental evidence demonstrating its impact on protein function have been reported. No submitters have cited clinical-significance assessments for this variant to ClinVar. Based on the evidence outlined above, the variant was classified as uncertain significance.

NM_013356.3(SLC16A8):c.907C>G (p.Arg303Gly)

Gene: SLC16A8 (solute carrier family 16 member 8; minus strand). Cytogenetic location: 22q13.1.
Variant type: single nucleotide variant.
Coding change: c.907C>G on transcript NM_013356.3 (MANE Select); coding-DNA position 907, C replaced by G.
Protein change: p.Arg303Gly; replaces arginine 303 with glycine.
Molecular consequence: missense variant. On other transcripts: intron variant (1).
Genome position (GRCh38, 1-based): chr22:38,081,131, G>C on the plus strand (C>G on the coding strand, the complement: SLC16A8 is on the minus strand). VCF-style: chr22-38081131-G-C. GRCh37 (hg19) VCF-style: chr22-38477138-G-C.
Other names: c.-80-2427C>G (NM_001394131.1); short protein forms R303G.
Identifiers: ClinVar variation 4535932 (VCV004535932.1).